The following is an entry in ClinVar:

NM_001204.7(BMPR2):c.877C>T (p.Leu293Phe)

Gene: BMPR2 (bone morphogenetic protein receptor type 2; plus strand). Cytogenetic location: 2q33.2.
Variant type: single nucleotide variant.
Coding change: c.877C>T on transcript NM_001204.7 (MANE Select); coding-DNA position 877, C replaced by T.
Protein change: p.Leu293Phe; replaces leucine 293 with phenylalanine.
Molecular consequence: missense variant.
Genome position (GRCh38, 1-based): chr2:202,520,111, C>T. VCF-style: chr2-202520111-C-T. GRCh37 (hg19) VCF-style: chr2-203384834-C-T.
Other names: short protein forms L293F.
Identifiers: ClinVar variation 3625951 (VCV003625951.2).

ClinVar aggregate classification (germline): Uncertain significance (1 of 4 stars; one submission).

Conditions:
Primary pulmonary hypertension. Also called: Idiopathic pulmonary hypertension. Identifiers: MedGen C0152171.

Submission:

Labcorp Genetics (formerly Invitae), Labcorp
Classification: Uncertain significance for Primary pulmonary hypertension. Last evaluated: 2024-02-11. Review status: criteria provided, single submitter. Criteria: Invitae Variant Classification Sherloc (09022015). Collection method: clinical testing. Allele origin: germline.
Comment: This sequence change replaces leucine, which is neutral and non-polar, with phenylalanine, which is neutral and non-polar, at codon 293 of the BMPR2 protein (p.Leu293Phe). This variant is present in population databases (no rsID available, gnomAD 0.006%). This missense change has been observed in individual(s) with clinical features of BMPR2-related conditions (PMID: 34966542). Advanced modeling of protein sequence and biophysical properties (such as structural, functional, and spatial information, amino acid conservation, physicochemical variation, residue mobility, and thermodynamic stability) performed at Invitae indicates that this missense variant is not expected to disrupt BMPR2 protein function with a negative predictive value of 80%. In summary, the available evidence is currently insufficient to determine the role of this variant in disease. Therefore, it has been classified as a Variant of Uncertain Significance.

Literature cited by the submitters: PubMed 34966542.